The following is an entry in ClinVar:

ClinVar aggregate classification (germline): Likely pathogenic (1 of 4 stars; one submission).

Conditions:
Genitopatellar syndrome (GTPTS). Also called: ABSENT PATELLAE, SCROTAL HYPOPLASIA, RENAL ANOMALIES, FACIAL DYSMORPHISM, AND MENTAL RETARDATION; Genitopatellar syndrome (GPS). Identifiers: Orphanet 85201, MedGen C1853566, MONDO:0011640, OMIM 606170.
Blepharophimosis - intellectual disability syndrome, SBBYS type (SBBYSS). Also called: Say-Barber-Biesecker variant of Ohdo syndrome (SBBYSS); Say-Barber-Biesecker-Young-Simpson syndrome; Ohdo syndrome, SBBYS variant; SBBYSS syndrome; Young Simpson syndrome; Mental retardation unusual facies hypothyroidism. Identifiers: Orphanet 3047, MedGen C1863557, MONDO:0011365, OMIM 603736.

Submission:

Juno Genomics, Hangzhou Juno Genomics, Inc
Classification: Likely pathogenic for Blepharophimosis - intellectual disability syndrome, SBBYS type; Genitopatellar syndrome. Review status: criteria provided, single submitter. Criteria: ACMG Guidelines, 2015. Collection method: clinical testing. Allele origin: germline. Affected: yes.
Comment: Absent from controls (or at extremely low frequency if recessive) in Genome Aggregation Database.;Null variant in a gene where loss of function (LOF) is a known mechanism of disease.

NM_012330.4(KAT6B):c.2185G>T (p.Glu729Ter)

Gene: KAT6B (lysine acetyltransferase 6B; plus strand). Cytogenetic location: 10q22.2.
Variant type: single nucleotide variant.
Coding change: c.2185G>T on transcript NM_012330.4 (MANE Select); coding-DNA position 2185, G replaced by T.
Protein change: p.Glu729Ter; replaces glutamic acid 729 with a stop codon.
Molecular consequence: nonsense. On other transcripts: intron variant (2).
Genome position (GRCh38, 1-based): chr10:74,979,293, G>T. VCF-style: chr10-74979293-G-T. GRCh37 (hg19) VCF-style: chr10-76739051-G-T.
Other names: c.1120G>T, p.Glu374Ter (NM_001370143.1, NM_001370144.1); c.846+9518G>T (NM_001370133.1); c.193-9726G>T (NM_001370135.1); c.2185G>T, p.Glu729Ter (NM_001370137.1, NM_001370136.1); c.1636G>T, p.Glu546Ter (NM_001370138.1, NM_001256468.2); c.1309G>T, p.Glu437Ter (NM_001370139.1, NM_001370140.1, NM_001370141.1 and 3 more transcripts); c.262G>T, p.Glu88Ter (NM_001370134.1); short protein forms E374*, E437*, E546*, E729*, E88*.
Identifiers: ClinVar variation 5018559 (VCV005018559.1).